The following is an entry in ClinVar:

ClinVar aggregate classification (germline): Uncertain significance (1 of 4 stars; one submission).

Conditions:
Hereditary cancer-predisposing syndrome. Also called: Neoplastic Syndromes, Hereditary; Tumor predisposition; Hereditary neoplastic syndrome; Hereditary Cancer Syndrome. Identifiers: Orphanet 140162, MedGen C0027672, MeSH D009386, MONDO:0015356.

Submission:

Ambry Genetics
Classification: Uncertain significance for Hereditary cancer-predisposing syndrome. Last evaluated: 2026-07-07. Review status: criteria provided, single submitter. Criteria: Ambry Variant Classification Scheme 2023. Collection method: clinical testing. Allele origin: germline.
Comment: The p.S39R variant (also known as c.115A>C), located in coding exon 2 of the SDHAF2 gene, results from an A to C substitution at nucleotide position 115. The serine at codon 39 is replaced by arginine, an amino acid with dissimilar properties. This amino acid position is conserved. In addition, this alteration is predicted to be tolerated by in silico analysis. Based on the available evidence, the clinical significance of this variant remains unclear.

NM_017841.4(SDHAF2):c.115A>C (p.Ser39Arg)

Gene: SDHAF2 (succinate dehydrogenase complex assembly factor 2; plus strand). Cytogenetic location: 11q12.2.
Variant type: single nucleotide variant.
Coding change: c.115A>C on transcript NM_017841.4 (MANE Select); coding-DNA position 115, A replaced by C.
Protein change: p.Ser39Arg; replaces serine 39 with arginine.
Molecular consequence: missense variant.
Genome position (GRCh38, 1-based): chr11:61,437,703, A>C. VCF-style: chr11-61437703-A-C. GRCh37 (hg19) VCF-style: chr11-61205175-A-C.
Other names: short protein forms S39R.
Identifiers: ClinVar variation 5029237 (VCV005029237.1).